The following is an entry in ClinVar:

ClinVar aggregate classification (germline): Uncertain significance (1 of 4 stars; one submission).

Conditions:
Familial cancer of breast. Also called: BREAST CANCER, FAMILIAL; hereditary breast carcinoma; Hereditary breast cancer. Identifiers: Orphanet 227535, MedGen C0346153, MONDO:0016419, OMIM 114480. Disease mechanism: loss of function.
Fanconi anemia complementation group J. Also called: BRIP1-Related Fanconi Anemia. Identifiers: Orphanet 84, MedGen C1836860, MONDO:0012187, OMIM 609054.

Submission:

Labcorp Genetics (formerly Invitae), Labcorp
Classification: Uncertain significance for Familial cancer of breast; Fanconi anemia complementation group J. Last evaluated: 2023-10-17. Review status: criteria provided, single submitter. Criteria: Invitae Variant Classification Sherloc (09022015). Collection method: clinical testing. Allele origin: germline.
Comment: This sequence change replaces glycine, which is neutral and non-polar, with arginine, which is basic and polar, at codon 750 of the BRIP1 protein (p.Gly750Arg). This variant is not present in population databases (gnomAD no frequency). This variant has not been reported in the literature in individuals affected with BRIP1-related conditions. Advanced modeling of protein sequence and biophysical properties (such as structural, functional, and spatial information, amino acid conservation, physicochemical variation, residue mobility, and thermodynamic stability) performed at Invitae indicates that this missense variant is not expected to disrupt BRIP1 protein function. In summary, the available evidence is currently insufficient to determine the role of this variant in disease. Therefore, it has been classified as a Variant of Uncertain Significance.

NM_032043.3(BRIP1):c.2248G>A (p.Gly750Arg)

Gene: BRIP1 (BRCA1 interacting DNA helicase 1; minus strand). Cytogenetic location: 17q23.2.
Variant type: single nucleotide variant.
Coding change: c.2248G>A on transcript NM_032043.3 (MANE Select); coding-DNA position 2248, G replaced by A.
Protein change: p.Gly750Arg; replaces glycine 750 with arginine.
Molecular consequence: missense variant.
Genome position (GRCh38, 1-based): chr17:61,744,441, C>T on the plus strand (G>A on the coding strand, the complement: BRIP1 is on the minus strand). VCF-style: chr17-61744441-C-T. GRCh37 (hg19) VCF-style: chr17-59821802-C-T.
Other names: short protein forms G750R.
Identifiers: ClinVar variation 2952981 (VCV002952981.3), dbSNP rs2544835880, ClinGen allele CA400482835.